The following is an entry in ClinVar:

NM_002900.3(RBP3):c.1101T>A (p.Asp367Glu)

Gene: RBP3 (retinol binding protein 3; plus strand). Cytogenetic location: 10q11.22.
Variant type: single nucleotide variant.
Coding change: c.1101T>A on transcript NM_002900.3 (MANE Select); coding-DNA position 1101, T replaced by A.
Protein change: p.Asp367Glu; replaces aspartic acid 367 with glutamic acid.
Molecular consequence: missense variant.
Genome position (GRCh38, 1-based): chr10:47,349,585, T>A. VCF-style: chr10-47349585-T-A. GRCh37 (hg19) VCF-style: chr10-48389777-A-T.
Other names: c.1101T>A (NM_002900.2); short protein forms D367E.
Identifiers: ClinVar variation 1014520 (VCV001014520.8), dbSNP rs782725888, ClinGen allele CA5487606.
Genomic context (GRCh38, chr10:47,349,585, plus strand): 5'-GCCCACCCTGCTGCAGCACTTGGCCAGCATGGACTTCTCCACGGTGGTCTCCGAGGAAGA[T>A]CTGGTCACCAAGCTCAATGCCGGCCTGCAGGCTGCGTCTGAGGATCCCAGGCTCCTGGTG-3'
Protein context (NP_002891.1, residues 357-377): MDFSTVVSEE[Asp367Glu]LVTKLNAGLQ

ClinVar aggregate classification (germline): Uncertain significance. Review status: criteria provided, multiple submitters, no conflicts (2 of 4 stars). 3 submissions from 3 submitters: Uncertain significance (3). Last evaluated 2025-04-13.

Conditions:
Inborn genetic diseases. Identifiers: MedGen C0950123, MeSH D030342.

Allele frequency attached by ClinVar (database versions not stated): gnomAD 0.00001 and 0.00002; gnomAD exomes 0.00001; TOPMed 0.00001; ExAC 0.00002.
gnomAD v4.1: 10 of 1,612,854 alleles (0.00062%); highest among the groups gnomAD compares: South Asian, 0.0011%; no homozygotes.

Submissions (3):

Ambry Genetics
Classification: Uncertain significance for Inborn genetic diseases. Last evaluated: 2025-04-13. Review status: criteria provided, single submitter. Criteria: Ambry Variant Classification Scheme 2023. Collection method: clinical testing. Allele origin: germline.

Blueprint Genetics
Classification: Uncertain significance. Last evaluated: 2024-05-03. Review status: criteria provided, single submitter. Criteria: ACMG Guidelines, 2015. Collection method: clinical testing. Allele origin: germline.

Labcorp Genetics (formerly Invitae), Labcorp
Classification: Uncertain significance. Last evaluated: 2022-10-13. Review status: criteria provided, single submitter. Criteria: Invitae Variant Classification Sherloc (09022015). Collection method: clinical testing. Allele origin: germline.
Comment: This sequence change replaces aspartic acid, which is acidic and polar, with glutamic acid, which is acidic and polar, at codon 367 of the RBP3 protein (p.Asp367Glu). This variant is present in population databases (rs782725888, gnomAD 0.002%). This variant has not been reported in the literature in individuals affected with RBP3-related conditions. ClinVar contains an entry for this variant (Variation ID: 1014520). Algorithms developed to predict the effect of missense changes on protein structure and function are either unavailable or do not agree on the potential impact of this missense change (SIFT: "Deleterious"; PolyPhen-2: "Benign"; Align-GVGD: "Class C0"). In summary, the available evidence is currently insufficient to determine the role of this variant in disease. Therefore, it has been classified as a Variant of Uncertain Significance.